The following is an entry in ClinVar:

ClinVar aggregate classification (germline): Uncertain significance (1 of 4 stars; one submission).

Conditions:
Generalized epilepsy with febrile seizures plus, type 7 (GEFSP7). Also called: GEFS+, TYPE 7. Identifiers: Orphanet 36387, MedGen C2751778, MONDO:0013470, OMIM 613863.
Neuropathy, hereditary sensory and autonomic, type 2A (HSAN2A). Also called: WNK1-Related HSAN2 (HSAN2A); MORVAN DISEASE; NEUROPATHY, CONGENITAL SENSORY; NEUROPATHY, HEREDITARY SENSORY RADICULAR, AUTOSOMAL RECESSIVE; NEUROPATHY, HEREDITARY SENSORY, TYPE IIA; NEUROPATHY, PROGRESSIVE SENSORY, OF CHILDREN. Identifiers: Orphanet 970, MedGen C2752089, MONDO:0024309, OMIM 201300.

Submission:

Labcorp Genetics (formerly Invitae), Labcorp
Classification: Uncertain significance for Neuropathy, hereditary sensory and autonomic, type 2A; Generalized epilepsy with febrile seizures plus, type 7. Last evaluated: 2023-11-08. Review status: criteria provided, single submitter. Criteria: Invitae Variant Classification Sherloc (09022015). Collection method: clinical testing. Allele origin: germline.
Comment: This sequence change replaces aspartic acid, which is acidic and polar, with tyrosine, which is neutral and polar, at codon 923 of the SCN9A protein (p.Asp923Tyr). This variant is not present in population databases (gnomAD no frequency). This variant has not been reported in the literature in individuals affected with SCN9A-related conditions. ClinVar contains an entry for this variant (Variation ID: 1413166). Advanced modeling of protein sequence and biophysical properties (such as structural, functional, and spatial information, amino acid conservation, physicochemical variation, residue mobility, and thermodynamic stability) has been performed at Invitae for this missense variant, however the output from this modeling did not meet the statistical confidence thresholds required to predict the impact of this variant on SCN9A protein function. In summary, the available evidence is currently insufficient to determine the role of this variant in disease. Therefore, it has been classified as a Variant of Uncertain Significance.

NM_001365536.1(SCN9A):c.2800G>T (p.Asp934Tyr)

Genes: SCN1A-AS1 (SCN1A and SCN9A antisense RNA 1; plus strand), SCN9A (sodium voltage-gated channel alpha subunit 9; minus strand). Cytogenetic location: 2q24.3.
Variant type: single nucleotide variant.
Coding change: c.2800G>T on transcript NM_001365536.1 (MANE Select); coding-DNA position 2800, G replaced by T.
Protein change: p.Asp934Tyr; replaces aspartic acid 934 with tyrosine.
Molecular consequence: missense variant.
Genome position (GRCh38, 1-based): chr2:166,277,057, C>A on the plus strand (G>T on the coding strand, the complement: SCN9A is on the minus strand). VCF-style: chr2-166277057-C-A. GRCh37 (hg19) VCF-style: chr2-167133567-C-A.
Other names: c.2767G>T, p.Asp923Tyr (NM_002977.4); short protein forms D934Y, D923Y.
Identifiers: ClinVar variation 1413166 (VCV001413166.8), dbSNP rs756279972, ClinGen allele CA349077346.